The following is an entry in ClinVar:

NM_213649.2(SFXN4):c.507G>A (p.Ala169=)

Gene: SFXN4 (sideroflexin 4; minus strand). Cytogenetic location: 10q26.11.
Variant type: single nucleotide variant.
Coding change: c.507G>A on transcript NM_213649.2 (MANE Select); coding-DNA position 507, G replaced by A.
Protein change: p.Ala169=; no amino-acid change (alanine 169 retained).
Molecular consequence: synonymous variant. On other transcripts: non-coding transcript variant (1).
Genome position (GRCh38, 1-based): chr10:119,157,698, C>T on the plus strand (G>A on the coding strand, the complement: SFXN4 is on the minus strand). VCF-style: chr10-119157698-C-T. GRCh37 (hg19) VCF-style: chr10-120917210-C-T.
Other names: c.507G>A, p.Ala169= (NM_213650.1).
Identifiers: ClinVar variation 2980330 (VCV002980330.20), dbSNP rs202129977, ClinGen allele CA5714501.
Genomic context (GRCh38, chr10:119,157,698, plus strand): 5'-GAAGATTTGACAGATTCTAAAAATACCTACTCCTAAGAAAGTTGAAGAAGCAACGGCTCC[C>T]GCCATTAGTAATGATCTTTCTAGTGGCTTACAAGTCTAAGGAGAAACAAAAGTACTTAAT-3'
Protein context (NP_998814.1, residues 159-179): CKPLERSLLM[Ala169=]GAVASSTFLG

ClinVar aggregate classification (germline): Likely benign. Review status: criteria provided, multiple submitters, no conflicts (2 of 4 stars). 2 submissions from 2 submitters: Likely benign (2). Last evaluated 2024-07-01.

Allele frequency attached by ClinVar (database versions not stated): gnomAD exomes below 0.00001; ExAC 0.00001; 1000 Genomes Project 30x 0.00016; 1000 Genomes Project 0.00020.
gnomAD v4.1: 9 of 1,608,148 alleles (0.00056%); highest among the groups gnomAD compares: Non-Finnish European, 0.00051%; no homozygotes.

Submissions (2):

CeGaT Center for Human Genetics Tuebingen
Classification: Likely benign. Last evaluated: 2024-07-01. Review status: criteria provided, single submitter. Criteria: CeGaT Center For Human Genetics Tuebingen Variant Classification Criteria Version 2. Collection method: clinical testing. Allele origin: germline. Affected: yes. Observed: 1 variant allele.
Comment: SFXN4: BP4, BP7

Labcorp Genetics (formerly Invitae), Labcorp
Classification: Likely benign. Last evaluated: 2023-04-23. Review status: criteria provided, single submitter. Criteria: Invitae Variant Classification Sherloc (09022015). Collection method: clinical testing. Allele origin: germline.